The following is an entry in ClinVar:

NM_152564.5(VPS13B):c.7004_7005del (p.Thr2335fs)

Gene: VPS13B (vacuolar protein sorting 13 homolog B; plus strand). Cytogenetic location: 8q22.2.
Variant type: Microsatellite.
Coding change: c.7004_7005del on transcript NM_152564.5 (MANE Select); coding-DNA positions 7004 to 7005, 2 bases deleted (CA; older notation c.7004_7005delCA).
Protein change: p.Thr2335fs; shifts the reading frame from threonine 2335.
Molecular consequence: frameshift variant.
Genome position (GRCh38, 1-based): chr8:99,721,001-99,721,002, CA deleted; deleting any 2 consecutive bases within chr8:99,720,999-99,721,002 gives the same sequence; the c. name uses the placement nearest the transcript's 3' end. VCF-style (leftmost placement, unchanged base first): chr8-99720998-CCA-C. GRCh37 (hg19) VCF-style: chr8-100733226-CCA-C.
Other names: c.7079_7080del, p.Thr2360fs (NM_017890.5); short protein forms T2360fs, T2335fs.
Identifiers: ClinVar variation 3727591 (VCV003727591.2).

ClinVar aggregate classification (germline): Pathogenic (1 of 4 stars; one submission).

Conditions:
Cohen syndrome (COH1). Also called: Cutis verticis gyrata, retinitis pigmentosa, and sensorineural deafness; PEPPER SYNDROME. Identifiers: Orphanet 193, MedGen C0265223, MONDO:0008999, OMIM 216550.

Submission:

Labcorp Genetics (formerly Invitae), Labcorp
Classification: Pathogenic for Cohen syndrome. Last evaluated: 2024-12-18. Review status: criteria provided, single submitter. Criteria: Invitae Variant Classification Sherloc (09022015). Collection method: clinical testing. Allele origin: germline.
Comment: This sequence change creates a premature translational stop signal (p.Thr2360Argfs*6) in the VPS13B gene. It is expected to result in an absent or disrupted protein product. Loss-of-function variants in VPS13B are known to be pathogenic (PMID: 15141358, 16648375, 20461111). This variant is not present in population databases (gnomAD no frequency). This variant has not been reported in the literature in individuals affected with VPS13B-related conditions. For these reasons, this variant has been classified as Pathogenic.

Literature cited by the submitters: PubMed 15141358; PubMed 16648375; PubMed 20461111.